The following is an entry in ClinVar:

ClinVar aggregate classification (germline): Pathogenic. Review status: criteria provided, multiple submitters, no conflicts (2 of 4 stars). 2 submissions from 2 submitters: Pathogenic (2). Last evaluated 2022-01-15.

Submissions (2):

Labcorp Genetics (formerly Invitae), Labcorp
Classification: Pathogenic. Last evaluated: 2022-01-15. Review status: criteria provided, single submitter. Criteria: Invitae Variant Classification Sherloc (09022015). Collection method: clinical testing. Allele origin: germline.
Comment: ClinVar contains an entry for this variant (Variation ID: 426797). This sequence change creates a premature translational stop signal (p.Trp603*) in the PHEX gene. It is expected to result in an absent or disrupted protein product. Loss-of-function variants in PHEX are known to be pathogenic (PMID: 9097956, 9106524, 19219621). This variant is not present in population databases (gnomAD no frequency). This premature translational stop signal has been observed in individual(s) with X-linked hypophosphatemia (PMID: 18046499). For these reasons, this variant has been classified as Pathogenic.

GeneDx
Classification: Pathogenic. Last evaluated: 2017-04-04. Review status: criteria provided, single submitter. Criteria: GeneDx Variant Classification (06012015). Collection method: clinical testing. Allele origin: germline. Affected: yes.
Comment: This pathogenic variant is predicted to cause loss of normal protein function either through protein truncation or nonsense-mediated mRNA decay. The variant is not observed in large population cohorts (Lek et al., 2016; 1000 Genomes Consortium et al., 2015; Exome Variant Server).

Literature cited by the submitters: PubMed 9097956 (cited by Labcorp Genetics (formerly Invitae), Labcorp); PubMed 9106524 (cited by Labcorp Genetics (formerly Invitae), Labcorp); PubMed 19219621 (cited by Labcorp Genetics (formerly Invitae), Labcorp); PubMed 18046499 (cited by Labcorp Genetics (formerly Invitae), Labcorp).

NM_000444.6(PHEX):c.1809G>A (p.Trp603Ter)

Genes: PHEX (phosphate regulating endopeptidase X-linked; plus strand), PTCHD1-AS (PTCHD1 and PHEX antisense RNA; minus strand). Cytogenetic location: Xp22.11.
Variant type: single nucleotide variant.
Coding change: c.1809G>A on transcript NM_000444.6 (MANE Select); coding-DNA position 1809, G replaced by A.
Protein change: p.Trp603Ter; replaces tryptophan 603 with a stop codon.
Molecular consequence: nonsense.
Genome position (GRCh38, 1-based): chrX:22,221,653, G>A. VCF-style: chrX-22221653-G-A. GRCh37 (hg19) VCF-style: chrX-22239770-G-A.
Other names: c.1809G>A, p.Trp603Ter (NM_001282754.2); short protein forms W603*.
Identifiers: ClinVar variation 426797 (VCV000426797.7), dbSNP rs755686699, ClinGen allele CA412573594.
Genomic context (GRCh38, chrX:22,221,653, plus strand): 5'-CGAACTTTTCCTTTTGCTAGGTAGAAAATATGATAAAAATGGAAACCTGGATCCTTGGTG[G>A]TCTACTGAATCAGAAGAAAAGTTTAAGGAAAAAACAAAATGCATGATTAACCAGTATAGC-3'